The following is an entry in ClinVar:

NM_020408.6(LYRM4):c.207+18T>C

Genes: LYRM4 (LYR motif containing 4; minus strand), LYRM4-AS1 (LYRM4 antisense RNA 1; plus strand). Cytogenetic location: 6p25.1.
Variant type: single nucleotide variant.
Coding change: c.207+18T>C on transcript NM_020408.6 (MANE Select); 18 bases into the intron after coding-DNA position 207, T replaced by C.
Molecular consequence: intron variant.
Genome position (GRCh38, 1-based): chr6:5,216,600, A>G on the plus strand (T>C on the coding strand, the complement: LYRM4 is on the minus strand). VCF-style: chr6-5216600-A-G. GRCh37 (hg19) VCF-style: chr6-5216833-A-G.
Other names: c.207+18T>C (NM_001318783.1, NM_001164841.3, NM_001318782.1 and 1 more transcripts).
Identifiers: ClinVar variation 383025 (VCV000383025.9), dbSNP rs140860616, ClinGen allele CA3623493.

ClinVar aggregate classification (germline): Benign. Review status: criteria provided, multiple submitters, no conflicts (2 of 4 stars). 2 submissions from 2 submitters: Benign (2). Last evaluated 2025-12-24.

Allele frequency attached by ClinVar (database versions not stated): ExAC 0.00165; 1000 Genomes Project 0.00319; 1000 Genomes Project 30x 0.00422; gnomAD 0.00546 and 0.00592; ESP Exome Variant Server 0.00607; TOPMed 0.00617; gnomAD exomes 0.00050 and 0.00139.
gnomAD v4.1: 1,605 of 1,613,586 alleles (0.099%); highest among the groups gnomAD compares: African/African-American, 1.9%; 7 homozygotes.

Submissions (2):

Labcorp Genetics (formerly Invitae), Labcorp
Classification: Benign. Last evaluated: 2025-12-24. Review status: criteria provided, single submitter. Criteria: Invitae Variant Classification Sherloc (09022015). Collection method: clinical testing. Allele origin: germline.

GeneDx
Classification: Benign. Last evaluated: 2018-02-16. Review status: criteria provided, single submitter. Criteria: GeneDx Variant Classification (06012015). Collection method: clinical testing. Allele origin: germline. Affected: yes.
Comment: This variant is considered likely benign or benign based on one or more of the following criteria: it is a conservative change, it occurs at a poorly conserved position in the protein, it is predicted to be benign by multiple in silico algorithms, and/or has population frequency not consistent with disease.